The following is an entry in ClinVar:

ClinVar aggregate classification (germline): Uncertain significance. Review status: criteria provided, multiple submitters, no conflicts (2 of 4 stars). 2 submissions from 2 submitters: Uncertain significance (2). Last evaluated 2023-05-08.

Conditions:
Inborn genetic diseases. Identifiers: MedGen C0950123, MeSH D030342.

Allele frequency attached by ClinVar (database versions not stated): ExAC 0.00003; gnomAD 0.00003; gnomAD exomes 0.00003; TOPMed 0.00005; ESP Exome Variant Server 0.00008.
gnomAD v4.1: 50 of 1,613,962 alleles (0.0031%); highest among the groups gnomAD compares: East Asian, 0.0067%; no homozygotes.

Submissions (2):

Ambry Genetics
Classification: Uncertain significance for Inborn genetic diseases. Last evaluated: 2023-05-08. Review status: criteria provided, single submitter. Criteria: Ambry Variant Classification Scheme 2023. Collection method: clinical testing. Allele origin: germline.

Labcorp Genetics (formerly Invitae), Labcorp
Classification: Uncertain significance. Last evaluated: 2022-05-15. Review status: criteria provided, single submitter. Criteria: Invitae Variant Classification Sherloc (09022015). Collection method: clinical testing. Allele origin: germline.
Comment: This sequence change replaces arginine, which is basic and polar, with cysteine, which is neutral and slightly polar, at codon 281 of the FKBP10 protein (p.Arg281Cys). This variant is present in population databases (rs144675137, gnomAD 0.02%). This variant has not been reported in the literature in individuals affected with FKBP10-related conditions. Algorithms developed to predict the effect of missense changes on protein structure and function (SIFT, PolyPhen-2, Align-GVGD) all suggest that this variant is likely to be disruptive. In summary, the available evidence is currently insufficient to determine the role of this variant in disease. Therefore, it has been classified as a Variant of Uncertain Significance.

NM_021939.4(FKBP10):c.841C>T (p.Arg281Cys)

Gene: FKBP10 (FKBP prolyl isomerase 10; plus strand). Cytogenetic location: 17q21.2.
Variant type: single nucleotide variant.
Coding change: c.841C>T on transcript NM_021939.4 (MANE Select); coding-DNA position 841, C replaced by T.
Protein change: p.Arg281Cys; replaces arginine 281 with cysteine.
Molecular consequence: missense variant.
Genome position (GRCh38, 1-based): chr17:41,819,323, C>T. VCF-style: chr17-41819323-C-T. GRCh37 (hg19) VCF-style: chr17-39975575-C-T.
Other names: short protein forms R281C.
Identifiers: ClinVar variation 2158697 (VCV002158697.3), dbSNP rs144675137, ClinGen allele CA8566384.